The following is an entry in ClinVar:

NM_033337.3(CAV3):c.245T>C (p.Val82Ala)

Genes: CAV3 (caveolin 3; plus strand), OXTR (oxytocin receptor; minus strand). Cytogenetic location: 3p25.3.
Variant type: single nucleotide variant.
Coding change: c.245T>C on transcript NM_033337.3 (MANE Select); coding-DNA position 245, T replaced by C.
Protein change: p.Val82Ala; replaces valine 82 with alanine.
Molecular consequence: missense variant.
Genome position (GRCh38, 1-based): chr3:8,745,656, T>C. VCF-style: chr3-8745656-T-C. GRCh37 (hg19) VCF-style: chr3-8787342-T-C.
Other names: c.245T>C, p.Val82Ala (NM_001234.5); short protein forms V82A.
Identifiers: ClinVar variation 1791617 (VCV001791617.3), dbSNP rs1377728849, ClinGen allele CA351663367.

ClinVar aggregate classification (germline): Uncertain significance (1 of 4 stars; one submission).

Conditions:
Cardiovascular phenotype. Identifiers: MedGen CN230736.

Allele frequency attached by ClinVar (database versions not stated): TOPMed below 0.00001.

Submission:

Ambry Genetics
Classification: Uncertain significance for Cardiovascular phenotype. Last evaluated: 2025-05-07. Review status: criteria provided, single submitter. Criteria: Ambry Variant Classification Scheme 2023. Collection method: clinical testing. Allele origin: germline.
Comment: The p.V82A variant (also known as c.245T>C), located in coding exon 2 of the CAV3 gene, results from a T to C substitution at nucleotide position 245. The valine at codon 82 is replaced by alanine, an amino acid with similar properties. This amino acid position is not well conserved in available vertebrate species. In addition, the in silico prediction for this alteration is inconclusive. Based on the available evidence, the clinical significance of this variant remains unclear.